The following is an entry in ClinVar:

NC_000002.11:g.(?_113875596)_(113875625_?)del

Gene: IL1RN (interleukin 1 receptor antagonist; plus strand). Cytogenetic location: 2q13.
Variant type: Deletion.
Identifiers: ClinVar variation 3247349 (VCV003247349.1).

ClinVar aggregate classification (germline): Pathogenic (1 of 4 stars; one submission).

Conditions:
Sterile multifocal osteomyelitis with periostitis and pustulosis. Also called: CHRONIC RECURRENT MULTIFOCAL OSTEOMYELITIS 2, WITH PERIOSTITIS AND PUSTULOSIS. Identifiers: Orphanet 210115, MedGen C2748507, MONDO:0013021, OMIM 612852.

Submission:

Labcorp Genetics (formerly Invitae), Labcorp
Classification: Pathogenic for Sterile multifocal osteomyelitis with periostitis and pustulosis. Last evaluated: 2022-12-02. Review status: criteria provided, single submitter. Criteria: Invitae Variant Classification Sherloc (09022015). Collection method: clinical testing. Allele origin: unknown.
Comment: For these reasons, this variant has been classified as Pathogenic. This variant has not been reported in the literature in individuals affected with IL1RN-related conditions. This variant is a gross deletion of the genomic region encompassing exon(s) 1 of the IL1RN gene, which includes the initiator codon. This deletion extends beyond the assayed region for this gene and therefore may encompass additional genes. It is expected to result in an absent or disrupted protein product. Loss-of-function variants in IL1RN are known to be pathogenic (PMID: 19494218, 21792839, 22940634, 26100510).

Literature cited by the submitters: PubMed 19494218; PubMed 21792839; PubMed 22940634; PubMed 26100510.